The following is an entry in ClinVar:

ClinVar aggregate classification (germline): Pathogenic (1 of 4 stars; one submission).

Conditions:
Dyskeratosis congenita, autosomal dominant 2. Identifiers: MedGen C3151443, MONDO:0013521, OMIM 613989.
Idiopathic Pulmonary Fibrosis. Also called: Idiopathic fibrosing alveolitis, chronic form; idiopathic fibrosing alveolitis. Identifiers: Orphanet 2032, MedGen C1800706, MeSH D054990, MONDO:0800504.

Submission:

Labcorp Genetics (formerly Invitae), Labcorp
Classification: Pathogenic for Dyskeratosis congenita, autosomal dominant 2; Idiopathic Pulmonary Fibrosis. Last evaluated: 2023-09-01. Review status: criteria provided, single submitter. Criteria: Invitae Variant Classification Sherloc (09022015). Collection method: clinical testing. Allele origin: germline.
Comment: This sequence change creates a premature translational stop signal (p.Arg6Cysfs*65) in the TERT gene. It is expected to result in an absent or disrupted protein product. Loss-of-function variants in TERT are known to be pathogenic (PMID: 16247010, 17460043). This variant is not present in population databases (gnomAD no frequency). This variant has not been reported in the literature in individuals affected with TERT-related conditions. For these reasons, this variant has been classified as Pathogenic.

Literature cited by the submitters: PubMed 16247010; PubMed 17460043.

NM_198253.3(TERT):c.16_37del (p.Arg6fs)

Genes: TERT (telomerase reverse transcriptase; minus strand), LOC110806263 (TERT 5' regulatory region; plus strand). Cytogenetic location: 5p15.33.
Variant type: Deletion.
Coding change: c.16_37del on transcript NM_198253.3 (MANE Select); coding-DNA positions 16 to 37, 22 bases deleted (CGCTGCCGAGCCGTGCGCTCCC).
Protein change: p.Arg6fs; shifts the reading frame from arginine 6.
Molecular consequence: frameshift variant. On other transcripts: non-coding transcript variant (2).
Genome position (GRCh38, 1-based): chr5:1,294,953-1,294,974, GGGAGCGCACGGCTCGGCAGCG deleted on the plus strand (CGCTGCCGAGCCGTGCGCTCCC on the coding strand, the reverse complement: TERT is on the minus strand); deleting any 22 consecutive bases within chr5:1,294,953-1,294,982 gives the same sequence; the c. name uses the placement nearest the transcript's 3' end. VCF-style (leftmost placement, unchanged base first): chr5-1294952-AGGGAGCGCACGGCTCGGCAGCG-A. GRCh37 (hg19) VCF-style: chr5-1295067-AGGGAGCGCACGGCTCGGCAGCG-A.
Other names: c.16_37del, p.Arg6fs (NM_001193376.3); c.8_29del22, p.Arg6Cysfs (NM_003219.1); short protein forms R6fs.
Identifiers: ClinVar variation 2951505 (VCV002951505.3), dbSNP rs2478436799, ClinGen allele CA2673080995.